The following is an entry in ClinVar:

NM_052867.4(NALCN):c.4198-11A>G

Gene: NALCN (sodium leak channel, non-selective; minus strand). Cytogenetic location: 13q32.3.
Variant type: single nucleotide variant.
Coding change: c.4198-11A>G on transcript NM_052867.4 (MANE Select); 11 bases into the intron before coding-DNA position 4198, A replaced by G.
Molecular consequence: intron variant.
Genome position (GRCh38, 1-based): chr13:101,068,838, T>C on the plus strand (A>G on the coding strand, the complement: NALCN is on the minus strand). VCF-style: chr13-101068838-T-C. GRCh37 (hg19) VCF-style: chr13-101721190-T-C.
Other names: c.4111-11A>G (NM_001350751.2, NM_001350750.2); c.4198-11A>G (NM_001350749.2); c.4285-11A>G (NM_001350748.2).
Identifiers: ClinVar variation 3390354 (VCV003390354.2).

ClinVar aggregate classification (germline): Likely pathogenic (1 of 4 stars; one submission).

Conditions:
Hypotonia, infantile, with psychomotor retardation and characteristic facies 1 (INNFD). Identifiers: Orphanet 371364, Orphanet 700336, MedGen C3809454, MONDO:0024567, OMIM 615419.

gnomAD v4.1: 7 of 1,598,962 alleles (0.00044%); highest among the groups gnomAD compares: African/African-American, 0.0013%; no homozygotes.

Submission:

Department of Neurology, Hospital Universitario Ramon Y Cajal
Classification: Likely pathogenic for Hypotonia, infantile, with psychomotor retardation and characteristic facies 1. Last evaluated: 2024-11-02. Review status: criteria provided, single submitter. Criteria: ACMG Guidelines, 2015. Collection method: clinical testing. Allele origin: maternal. Inheritance: Autosomal recessive inheritance. Affected: yes. Observed: 1 compound heterozygote.
Comment: According to updated recommendations of ClinGen basing on ACMG 2015 criteria (Pejaver V et al., Am J Hum Genet, 2022; Biesecker LG et al., Am J Hum Genet, 2024) and ACGS 2024 criteria (Durkie M et al., ACGS, 2024), c.3022C>T p.(Arg1008*) was classified as pathogenic, and c.4198-11A>G was classified as likely pathogenic. Regarding the classification to likely pathogenic, the criteria employed were: PM2 supporting, PM3 moderate, PP3 supporting and PP4 moderate. This variant is reported with a very low frequency in gnomAD v4 (7 heterozygotes, 0 homozygotes). Although this position is weakly conserved (phyloP 0.61), there are not any species in UCSC harboring C nucleotide in that position. With respect to in silico predictions, Alamut, Pangolin and SpliceAI predict a deleterious effect over splicing, with the creation and activation of an alternative acceptor site in intron 37/43 which can compete with the natural acceptor site, leading to an out of frame product, premature stop codon and nonsense mediated decay. To the best of our knowledge, this variant has not been reported in the medical literature or on disease-related variation databases.

Literature cited by the submitters: DOI 10.1016/j.ajhg.2022.10.013; DOI 10.1016/j.ajhg.2023.11.009; DOI 10.5664/jcsm.10146.